The following is an entry in ClinVar:

NM_000038.6(APC):c.3870T>C (p.Asn1290=)

Gene: APC (APC regulator of Wnt signaling pathway; plus strand). Cytogenetic location: 5q22.2.
Variant type: single nucleotide variant.
Coding change: c.3870T>C on transcript NM_000038.6 (MANE Select); coding-DNA position 3870, T replaced by C.
Protein change: p.Asn1290=; no amino-acid change (asparagine 1290 retained).
Molecular consequence: synonymous variant.
Genome position (GRCh38, 1-based): chr5:112,839,464, T>C. VCF-style: chr5-112839464-T-C. GRCh37 (hg19) VCF-style: chr5-112175161-T-C.
Other names: c.3870T>C, p.Asn1290= (NM_001127510.3, NM_001354895.2); c.3816T>C, p.Asn1272= (NM_001127511.3); c.3924T>C, p.Asn1308= (NM_001354896.2); c.3900T>C, p.Asn1300= (NM_001354897.2); c.3795T>C, p.Asn1265= (NM_001354898.2); c.3786T>C, p.Asn1262= (NM_001354899.2); c.3747T>C, p.Asn1249= (NM_001354900.2); c.3693T>C, p.Asn1231= (NM_001354901.2); and 5 more.
Identifiers: ClinVar variation 1089318 (VCV001089318.12), dbSNP rs758343243, ClinGen allele CA036860.

ClinVar aggregate classification (germline): Benign/Likely benign. Review status: criteria provided, multiple submitters, no conflicts (2 of 4 stars). 3 submissions from 3 submitters: Benign (1); Likely benign (2). Last evaluated 2025-09-22.

Conditions:
Hereditary cancer-predisposing syndrome. Also called: Hereditary Cancer Syndrome; Neoplastic Syndromes, Hereditary; Hereditary neoplastic syndrome; Tumor predisposition. Identifiers: Orphanet 140162, MedGen C0027672, MeSH D009386, MONDO:0015356.
Familial adenomatous polyposis 1 (FAP1). Also called: POLYPOSIS, ADENOMATOUS INTESTINAL; FAMILIAL ADENOMATOUS POLYPOSIS 1, ATTENUATED. Identifiers: MedGen C2713442, MONDO:0021056, OMIM 175100. Disease mechanism: loss of function.

Allele frequency attached by ClinVar (database versions not stated): gnomAD exomes below 0.00001; ExAC 0.00001.

Submissions (3):

Labcorp Genetics (formerly Invitae), Labcorp
Classification: Likely benign for Familial adenomatous polyposis 1. Last evaluated: 2025-09-22. Review status: criteria provided, single submitter. Criteria: Invitae Variant Classification Sherloc (09022015). Collection method: clinical testing. Allele origin: germline.

Myriad Genetics, Inc.
Classification: Benign for Familial adenomatous polyposis 1. Last evaluated: 2024-03-22. Review status: criteria provided, single submitter. Criteria: Myriad Autosomal Dominant, Autosomal Recessive and X-Linked Classification Criteria (2023). Collection method: clinical testing. Allele origin: unknown.
Comment: This variant is considered benign. This variant is a silent/synonymous amino acid change and it is not expected to impact splicing.

Ambry Genetics
Classification: Likely benign for Hereditary cancer-predisposing syndrome. Last evaluated: 2015-12-13. Review status: criteria provided, single submitter. Criteria: Ambry Variant Classification Scheme 2023. Collection method: clinical testing. Allele origin: germline.